The following is an entry in ClinVar:

NM_002691.4(POLD1):c.2773G>A (p.Val925Met)

Gene: POLD1 (DNA polymerase delta 1, catalytic subunit; plus strand). Cytogenetic location: 19q13.33.
Variant type: single nucleotide variant.
Coding change: c.2773G>A on transcript NM_002691.4 (MANE Select); coding-DNA position 2773, G replaced by A.
Protein change: p.Val925Met; replaces valine 925 with methionine.
Molecular consequence: missense variant.
Genome position (GRCh38, 1-based): chr19:50,415,779, G>A. VCF-style: chr19-50415779-G-A. GRCh37 (hg19) VCF-style: chr19-50919036-G-A.
Other names: c.2773G>A, p.Val925Met (LRG_785t1, NM_001256849.1); c.2851G>A, p.Val951Met (LRG_785t2, NM_001308632.1); c.2773G>A (NM_002691.2); short protein forms V925M, V951M.
Identifiers: ClinVar variation 407989 (VCV000407989.23), dbSNP rs746950229, ClinGen allele CA9596655.

ClinVar aggregate classification (germline): Uncertain significance. Review status: criteria provided, multiple submitters, no conflicts (2 of 4 stars). 5 submissions from 5 submitters: Uncertain significance (5). Last evaluated 2026-01-27.

Conditions:
Hereditary cancer-predisposing syndrome. Also called: Neoplastic Syndromes, Hereditary; Hereditary neoplastic syndrome; Hereditary Cancer Syndrome; Tumor predisposition. Identifiers: Orphanet 140162, MedGen C0027672, MeSH D009386, MONDO:0015356.
POLD1-related polyposis and colorectal cancer syndrome (CRCS10). Also called: Colorectal cancer, susceptibility to, 10; Colorectal cancer 10; COLORECTAL CANCER, SUSCEPTIBILITY TO, ON CHROMOSOME 19q. Identifiers: Orphanet 220460, MedGen C2675481, MONDO:0012953, OMIM 612591.

Allele frequency attached by ClinVar (database versions not stated): ExAC below 0.00001; gnomAD 0.00001; TOPMed 0.00001; gnomAD exomes 0.00002.
gnomAD v4.1: 22 of 1,566,450 alleles (0.0014%); highest among the groups gnomAD compares: East Asian, 0.021%; no homozygotes.

Submissions (5):

Labcorp Genetics (formerly Invitae), Labcorp
Classification: Uncertain significance for POLD1-related polyposis and colorectal cancer syndrome. Last evaluated: 2026-01-27. Review status: criteria provided, single submitter. Criteria: Invitae Variant Classification Sherloc (09022015). Collection method: clinical testing. Allele origin: germline.
Comment: This sequence change replaces valine, which is neutral and non-polar, with methionine, which is neutral and non-polar, at codon 925 of the POLD1 protein (p.Val925Met). The frequency data for this variant in the population databases is considered unreliable, as metrics indicate poor data quality at this position in the gnomAD database. This variant has not been reported in the literature in individuals affected with POLD1-related conditions. ClinVar contains an entry for this variant (Variation ID: 407989). Invitae Evidence Modeling of protein sequence and biophysical properties (such as structural, functional, and spatial information, amino acid conservation, physicochemical variation, residue mobility, and thermodynamic stability) indicates that this missense variant is expected to disrupt POLD1 protein function with a positive predictive value of 80%. In summary, the available evidence is currently insufficient to determine the role of this variant in disease. Therefore, it has been classified as a Variant of Uncertain Significance.

Center for Genomic Medicine, Rigshospitalet, Copenhagen University Hospital
Classification: Uncertain significance. Last evaluated: 2025-03-04. Review status: criteria provided, single submitter. Criteria: ACMG Guidelines, 2015. Collection method: clinical testing. Allele origin: germline.

Ambry Genetics
Classification: Uncertain significance for Hereditary cancer-predisposing syndrome. Last evaluated: 2024-11-08. Review status: criteria provided, single submitter. Criteria: Ambry Variant Classification Scheme 2023. Collection method: clinical testing. Allele origin: germline.
Comment: The p.V925M variant (also known as c.2773G>A), located in coding exon 21 of the POLD1 gene, results from a G to A substitution at nucleotide position 2773. The valine at codon 925 is replaced by methionine, an amino acid with highly similar properties. This amino acid position is highly conserved in available vertebrate species. In addition, the in silico prediction for this alteration is inconclusive. Based on the available evidence, the clinical significance of this variant remains unclear.

St. Jude Molecular Pathology, St. Jude Children's Research Hospital
Classification: Uncertain significance for POLD1-related polyposis and colorectal cancer syndrome. Last evaluated: 2024-07-02. Review status: criteria provided, single submitter. Criteria: St. Jude Assertion Criteria 2020. Collection method: clinical testing. Allele origin: germline.
Comment: The POLD1 c.2773G>A (p.Val925Met) missense change has a maximum subpopulation frequency of 0.013% in gnomAD v2.1.1. The in silico tool REVEL is inconclusive about a pathogenic or benign effect of this variant on protein function, and to our knowledge functional studies have not been performed. To our knowledge, this variant has not been reported in the literature in individuals with POLD1-related disease. In summary, the evidence currently available is insufficient to determine the clinical significance of this variant. It has therefore been classified as of uncertain significance.

GeneDx
Classification: Uncertain significance. Last evaluated: 2024-02-25. Review status: criteria provided, single submitter. Criteria: GeneDx Variant Classification Process June 2021. Collection method: clinical testing. Allele origin: germline. Affected: yes.
Comment: Not observed at a significant frequency in large population cohorts (gnomAD); In silico analysis supports that this missense variant has a deleterious effect on protein structure/function; Has not been previously published as pathogenic or benign to our knowledge; This variant is associated with the following publications: (PMID: 32041611)